The following is an entry in ClinVar:

NM_001127511.3(APC):c.-158G>A

Gene: APC (APC regulator of Wnt signaling pathway; plus strand). Cytogenetic location: 5q22.2.
Variant type: single nucleotide variant.
Coding change: c.-158G>A on transcript NM_001127511.3; 158 bases upstream of the start codon, G replaced by A.
Molecular consequence: 5 prime UTR variant. On other transcripts: non-coding transcript variant (2).
Genome position (GRCh38, 1-based): chr5:112,707,560, G>A. VCF-style: chr5-112707560-G-A. GRCh37 (hg19) VCF-style: chr5-112043257-G-A.
Other names: c.-158G>A (NM_001354897.2, NM_001354902.2, NM_001407446.1); c.-341G>A (NM_001407447.1, NM_001407452.1, NM_001407456.1 and 3 more transcripts); c.-108G>A (NM_001407448.1, NM_001407450.1, NM_001407457.1 and 1 more transcripts); c.-132G>A (NM_001407453.1); c.-1376G>A (NM_001407470.1, NM_001407472.1).
Identifiers: ClinVar variation 2780124 (VCV002780124.3), dbSNP rs1750576619, ClinGen allele CA2674863524.
Genomic context (GRCh38, chr5:112,707,560, plus strand): 5'-ATTGTAGTCTTCCCACCTCCCACAAGATGGCGGAGGGCAAGTAGCAAGGGGGCGGGGTGT[G>A]GCCGCCGGAAGCCTAGCCGCTGCTCGGGGGGGACCTGCGGGCTCAGGCCCGGGAGCTGCG-3'

ClinVar aggregate classification (germline): Uncertain significance (1 of 4 stars; one submission).

Conditions:
Familial adenomatous polyposis 1 (FAP1). Also called: FAMILIAL ADENOMATOUS POLYPOSIS 1, ATTENUATED; POLYPOSIS, ADENOMATOUS INTESTINAL. Identifiers: MedGen C2713442, MONDO:0021056, OMIM 175100. Disease mechanism: loss of function.

Submission:

Labcorp Genetics (formerly Invitae), Labcorp
Classification: Uncertain significance for Familial adenomatous polyposis 1. Last evaluated: 2022-12-07. Review status: criteria provided, single submitter. Criteria: Invitae Variant Classification Sherloc (09022015). Collection method: clinical testing. Allele origin: germline.
Comment: This variant has not been reported in the literature in individuals affected with APC-related conditions. In summary, the available evidence is currently insufficient to determine the role of this variant in disease. Therefore, it has been classified as a Variant of Uncertain Significance. Experimental studies and prediction algorithms are not available or were not evaluated, and the functional significance of this variant is currently unknown. This variant is not present in population databases (gnomAD no frequency). This variant occurs in a non-coding region of the APC gene. It does not change the encoded amino acid sequence of the APC protein.